The following is an entry in ClinVar:

NM_001042492.3(NF1):c.8124dup (p.Asn2709Ter)

Gene: NF1 (neurofibromin 1; plus strand). Cytogenetic location: 17q11.2.
Variant type: Duplication.
Coding change: c.8124dup on transcript NM_001042492.3 (MANE Select); coding-DNA position 8124, one base duplicated (T; older notation c.8124dupT).
Protein change: p.Asn2709Ter; replaces asparagine 2709 with a stop codon.
Molecular consequence: nonsense. On other transcripts: frameshift variant (1).
Genome position (GRCh38, 1-based): chr17:31,358,979, T duplicated; the last of 4 consecutive T bases (chr17:31,358,976-31,358,979); duplicating any one gives the same sequence. VCF-style (leftmost placement, unchanged base first): chr17-31358975-G-GT. GRCh37 (hg19) VCF-style: chr17-29685993-G-GT.
Other names: c.8061dup, p.Asn2688Terfs (NM_000267.4); short protein forms N2688*, N2709*.
Identifiers: ClinVar variation 937833 (VCV000937833.6), dbSNP rs2070339252, ClinGen allele CA1139665306.

ClinVar aggregate classification (germline): Pathogenic (1 of 4 stars; one submission).

Conditions:
Neurofibromatosis, type 1 (NF1). Also called: Peripheral type neurofibromatosis; VON RECKLINGHAUSEN DISEASE; Neurofibromatosis, type I; NEUROFIBROMATOSIS, TYPE I, SOMATIC. Identifiers: Orphanet 636, MedGen C0027831, MONDO:0018975, OMIM 162200. Disease mechanism: loss of function.

Submission:

Labcorp Genetics (formerly Invitae), Labcorp
Classification: Pathogenic for Neurofibromatosis, type 1. Last evaluated: 2019-07-08. Review status: criteria provided, single submitter. Criteria: Invitae Variant Classification Sherloc (09022015). Collection method: clinical testing. Allele origin: germline.
Comment: For these reasons, this variant has been classified as Pathogenic. Loss-of-function variants in NF1 are known to be pathogenic (PMID: 10712197, 23913538). This variant has not been reported in the literature in individuals with NF1-related conditions. This variant is not present in population databases (ExAC no frequency). This sequence change creates a premature translational stop signal (p.Asn2688*) in the NF1 gene. It is expected to result in an absent or disrupted protein product.

Literature cited by the submitters: PubMed 10712197; PubMed 23913538.